The following is an entry in ClinVar:

ClinVar aggregate classification (germline): Uncertain significance (1 of 4 stars; one submission).

Allele frequency attached by ClinVar (database versions not stated): TOPMed below 0.00001; gnomAD 0.00001.
gnomAD v4.1: 1 of 1,614,052 alleles (0.000062%); highest among the groups gnomAD compares: African/African-American, 0.0013%; no homozygotes.

Submission:

GeneDx
Classification: Uncertain significance. Last evaluated: 2026-03-13. Review status: criteria provided, single submitter. Criteria: GeneDx Variant Classification Process June 2021. Collection method: clinical testing. Allele origin: germline.
Comment: Not observed at significant frequency in large population cohorts (gnomAD); In silico analysis supports that this missense variant has a deleterious effect on protein structure/function; Has not been previously published as pathogenic or benign to our knowledge

NM_020987.5(ANK3):c.12629A>C (p.Glu4210Ala)

Gene: ANK3 (ankyrin 3; minus strand). Cytogenetic location: 10q21.2.
Variant type: single nucleotide variant.
Coding change: c.12629A>C on transcript NM_020987.5 (MANE Select); coding-DNA position 12629, A replaced by C.
Protein change: p.Glu4210Ala; replaces glutamic acid 4210 with alanine.
Molecular consequence: missense variant.
Genome position (GRCh38, 1-based): chr10:60,059,397, T>G on the plus strand (A>C on the coding strand, the complement: ANK3 is on the minus strand). VCF-style: chr10-60059397-T-G. GRCh37 (hg19) VCF-style: chr10-61819155-T-G.
Other names: c.2501A>C, p.Glu834Ala (NM_001149.4); c.5081A>C, p.Glu1694Ala (NM_001204403.2); c.5102A>C, p.Glu1701Ala (NM_001204404.2); c.5099A>C, p.Glu1700Ala (NM_001320874.2); short protein forms E1694A, E1700A, E1701A, E4210A, E834A.
Identifiers: ClinVar variation 3253400 (VCV003253400.2), dbSNP rs2079890095.